The following is an entry in ClinVar:

NM_006514.4(SCN10A):c.4923_4924del (p.Met1641fs)

Gene: SCN10A (sodium voltage-gated channel alpha subunit 10; minus strand). Cytogenetic location: 3p22.2.
Variant type: Deletion.
Coding change: c.4923_4924del on transcript NM_006514.4 (MANE Select); coding-DNA positions 4923 to 4924, 2 bases deleted (GT; older notation c.4923_4924delGT).
Protein change: p.Met1641fs; shifts the reading frame from methionine 1641.
Molecular consequence: frameshift variant.
Genome position (GRCh38, 1-based): chr3:38,698,296-38,698,297, AC deleted on the plus strand (GT on the coding strand, the reverse complement: SCN10A is on the minus strand); deleting any 2 consecutive bases within chr3:38,698,296-38,698,298 gives the same sequence; the c. name uses the placement nearest the transcript's 3' end. VCF-style (leftmost placement, unchanged base first): chr3-38698295-AAC-A. GRCh37 (hg19) VCF-style: chr3-38739786-AAC-A.
Other names: c.4923_4924delGT (NM_006514.2); c.4923_4924del (NM_006514.2); c.4920_4921del, p.Met1640fs (NM_001293306.2); c.4629_4630del, p.Met1543fs (NM_001293307.2); short protein forms M1543fs, M1640fs, M1641fs.
Identifiers: ClinVar variation 1018754 (VCV001018754.8), dbSNP rs774186159, ClinGen allele CA2319776.

ClinVar aggregate classification (germline): Conflicting classifications of pathogenicity. Review status: criteria provided, conflicting classifications (1 of 4 stars). 3 submissions from 3 submitters: Uncertain significance (2); Likely benign (1). Last evaluated 2025-11-21.

Conditions:
Brugada syndrome. Also called: Sudden unexpected nocturnal death syndrome; Sudden Unexplained Death Syndrome; Sudden Unexplained Nocturnal Death Syndrome (SUNDS); Sudden unexplained nocturnal death syndrome. Identifiers: Orphanet 130, MedGen C1142166, MONDO:0015263.
Cardiovascular phenotype. Identifiers: MedGen CN230736.

Submissions (3):

Labcorp Genetics (formerly Invitae), Labcorp
Classification: Uncertain significance for Brugada syndrome. Last evaluated: 2025-11-21. Review status: criteria provided, single submitter. Criteria: Invitae Variant Classification Sherloc (09022015). Collection method: clinical testing. Allele origin: germline.
Comment: This sequence change creates a premature translational stop signal (p.Met1641Ilefs*38) in the SCN10A gene. While this is not anticipated to result in nonsense mediated decay, it is expected to disrupt the last 316 amino acid(s) of the SCN10A protein. This variant is present in population databases (rs774186159, gnomAD 0.03%). This variant has not been reported in the literature in individuals affected with SCN10A-related conditions. ClinVar contains an entry for this variant (Variation ID: 1018754). Experimental studies and prediction algorithms are not available or were not evaluated, and the functional significance of this variant is currently unknown. Algorithms developed to predict the effect of sequence changes on RNA splicing suggest that this variant may create or strengthen a splice site. In summary, the available evidence is currently insufficient to determine the role of this variant in disease. Therefore, it has been classified as a Variant of Uncertain Significance.

GeneDx
Classification: Uncertain significance. Last evaluated: 2025-04-22. Review status: criteria provided, single submitter. Criteria: GeneDx Variant Classification Process June 2021. Collection method: clinical testing. Allele origin: germline. Affected: yes.
Comment: Not observed at significant frequency in large population cohorts (gnomAD); Frameshift variant predicted to result in abnormal protein length as the last 316 amino acids are replaced with 37 different amino acids; Has not been previously published as pathogenic or benign to our knowledge

Ambry Genetics
Classification: Likely benign for Cardiovascular phenotype. Last evaluated: 2022-10-06. Review status: criteria provided, single submitter. Criteria: Ambry Variant Classification Scheme 2023. Collection method: clinical testing. Allele origin: germline.